The following is an entry in ClinVar:

ClinVar aggregate classification (germline): Uncertain significance (1 of 4 stars; one submission).

Conditions:
Stormorken syndrome (STRMK). Also called: THROMBOCYTOPATHY, ASPLENIA, AND MIOSIS. Identifiers: Orphanet 3204, MedGen C1861451, MONDO:0008497, OMIM 185070.
Combined immunodeficiency due to STIM1 deficiency. Also called: STIM1 DEFICIENCY; IMMUNODEFICIENCY 10. Identifiers: Orphanet 169090, Orphanet 317430, MedGen C2748557, MONDO:0013008, OMIM 612783.
Myopathy with tubular aggregates (TAM). Also called: Tubular Aggregate Myopathy. Identifiers: Orphanet 2593, MedGen C0410207, MONDO:0008051.

Allele frequency attached by ClinVar (database versions not stated): TOPMed below 0.00001.

Submission:

Labcorp Genetics (formerly Invitae), Labcorp
Classification: Uncertain significance for Myopathy with tubular aggregates; Combined immunodeficiency due to STIM1 deficiency; Stormorken syndrome. Last evaluated: 2019-05-06. Review status: criteria provided, single submitter. Criteria: Invitae Variant Classification Sherloc (09022015). Collection method: clinical testing. Allele origin: germline.
Comment: This variant has not been reported in the literature in individuals with STIM1-related conditions. Algorithms developed to predict the effect of missense changes on protein structure and function (SIFT, PolyPhen-2, Align-GVGD) all suggest that this variant is likely to be tolerated, but these predictions have not been confirmed by published functional studies and their clinical significance is uncertain. In summary, the available evidence is currently insufficient to determine the role of this variant in disease. Therefore, it has been classified as a Variant of Uncertain Significance. This variant is not present in population databases (ExAC no frequency). This sequence change replaces valine with leucine at codon 178 of the STIM1 protein (p.Val178Leu). The valine residue is moderately conserved and there is a small physicochemical difference between valine and leucine.

NM_001382567.1(STIM1):c.532G>T (p.Val178Leu)

Gene: STIM1 (stromal interaction molecule 1; plus strand). Cytogenetic location: 11p15.4.
Variant type: single nucleotide variant.
Coding change: c.532G>T on transcript NM_001382567.1 (MANE Select); coding-DNA position 532, G replaced by T.
Protein change: p.Val178Leu; replaces valine 178 with leucine.
Molecular consequence: missense variant. On other transcripts: non-coding transcript variant (3), intron variant (1).
Genome position (GRCh38, 1-based): chr11:4,059,315, G>T. VCF-style: chr11-4059315-G-T. GRCh37 (hg19) VCF-style: chr11-4080545-G-T.
Other names: c.532G>T, p.Val178Leu (NM_001277961.3, NM_001277962.2, NM_001382568.1 and 2 more transcripts); c.310G>T, p.Val104Leu (NM_001382566.1, NM_001382573.1, NM_001382574.1 and 5 more transcripts); c.397G>T, p.Val133Leu (NM_001382569.1); c.52G>T, p.Val18Leu (NM_001382571.1); c.43G>T, p.Val15Leu (NM_001382580.1, NM_001382581.1); c.386-10711G>T (NM_001382570.1); short protein forms V104L, V178L, V18L, V133L, V15L.
Identifiers: ClinVar variation 948064 (VCV000948064.10), dbSNP rs1351131329, ClinGen allele CA379485756.
Genomic context (GRCh38, chr11:4,059,315, plus strand): 5'-TGATCTGCTACTCTTTGCCTCAACAGGCTGGCTGTCACCAACACCACCATGACAGGGACT[G>T]TGCTGAAGATGACAGACCGGAGTCATCGGCAGAAGCTGCAGCTGAAGGCTCTGGATACAG-3'
Protein context (NP_001369496.1, residues 168-188): AVTNTTMTGT[Val178Leu]LKMTDRSHRQ